The following is an entry in ClinVar:

ClinVar aggregate classification (germline): Uncertain significance. Review status: criteria provided, multiple submitters, no conflicts (2 of 4 stars). 2 submissions from 2 submitters: Uncertain significance (2). Last evaluated 2024-01-08.

Conditions:
Hereditary diffuse gastric adenocarcinoma (HDGC). Also called: DIFFUSE GASTRIC AND LOBULAR BREAST CANCER SYNDROME. Identifiers: Orphanet 26106, MedGen C1708349, MONDO:0007648, OMIM 137215.

Submissions (2):

KCCC/NGS Laboratory, Kuwait Cancer Control Center
Classification: Uncertain significance for Hereditary diffuse gastric adenocarcinoma. Last evaluated: 2024-01-08. Review status: criteria provided, single submitter. Criteria: ACMG Guidelines, 2015. Collection method: clinical testing. Allele origin: germline. Inheritance: Autosomal dominant inheritance. Affected: yes. Observed: 1 heterozygote.
Comment: This sequence change replaces leucine with glutamine at codon 585 of the CDH1 protein (p.Leu585Gln). The leucine residue is highly conserved (PhyloP=7.24). This variant is not present in population databases (gnomAD). This variant has not been reported in the literature in individuals affected with CDH1-related conditions.ClinVar contains an entry for this variant (Variation ID: 646248) classified as uncertain significant . In addition, this alteration is predicted to be pathogenic by in silico analysis. In summary, the available evidence is currently insufficient to determine the role of this variant in disease. Therefore, it has been classified as a Variant of Uncertain Significance. Heterozygous variants in the CDH1 gene cause increased susceptibility to breast cancer (OMIM# 114480).

Labcorp Genetics (formerly Invitae), Labcorp
Classification: Uncertain significance for Hereditary diffuse gastric adenocarcinoma. Last evaluated: 2022-11-28. Review status: criteria provided, single submitter. Criteria: Invitae Variant Classification Sherloc (09022015). Collection method: clinical testing. Allele origin: germline.
Comment: In summary, the available evidence is currently insufficient to determine the role of this variant in disease. Therefore, it has been classified as a Variant of Uncertain Significance. Algorithms developed to predict the effect of missense changes on protein structure and function (SIFT, PolyPhen-2, Align-GVGD) all suggest that this variant is likely to be disruptive. ClinVar contains an entry for this variant (Variation ID: 646248). This variant has not been reported in the literature in individuals affected with CDH1-related conditions. This variant is not present in population databases (gnomAD no frequency). This sequence change replaces leucine, which is neutral and non-polar, with glutamine, which is neutral and polar, at codon 585 of the CDH1 protein (p.Leu585Gln).

NM_004360.5(CDH1):c.1754T>A (p.Leu585Gln)

Gene: CDH1 (cadherin 1; plus strand). Cytogenetic location: 16q22.1.
Variant type: single nucleotide variant.
Coding change: c.1754T>A on transcript NM_004360.5 (MANE Select); coding-DNA position 1754, T replaced by A.
Protein change: p.Leu585Gln; replaces leucine 585 with glutamine.
Molecular consequence: missense variant. On other transcripts: 5 prime UTR variant (1).
Genome position (GRCh38, 1-based): chr16:68,822,043, T>A. VCF-style: chr16-68822043-T-A. GRCh37 (hg19) VCF-style: chr16-68855946-T-A.
Other names: c.1754T>A (LRG_301t1, NM_004360.4); c.1571T>A, p.Leu524Gln (NM_001317184.2); c.206T>A, p.Leu69Gln (NM_001317185.2); c.-212T>A (NM_001317186.2); short protein forms L585Q, L524Q, L69Q.
Identifiers: ClinVar variation 646248 (VCV000646248.11), dbSNP rs1596963414, ClinGen allele CA396466461.
Genomic context (GRCh38, chr16:68,822,043, plus strand): 5'-CTGTGTATTTTCTCTTAGGTTCTCCAGTTGCTACTGGAACAGGGACACTTCTGCTGATCC[T>A]GTCTGATGTGAATGACAACGCCCCCATACCAGAACCTCGAACTATATTCTTCTGTGAGAG-3'
Protein context (NP_004351.1, residues 575-595): ATGTGTLLLI[Leu585Gln]SDVNDNAPIP